The following is an entry in ClinVar:

NM_003482.4(KMT2D):c.14984C>G (p.Thr4995Ser)

Gene: KMT2D (lysine methyltransferase 2D; minus strand). Cytogenetic location: 12q13.12.
Variant type: single nucleotide variant.
Coding change: c.14984C>G on transcript NM_003482.4 (MANE Select); coding-DNA position 14984, C replaced by G.
Protein change: p.Thr4995Ser; replaces threonine 4995 with serine.
Molecular consequence: missense variant.
Genome position (GRCh38, 1-based): chr12:49,026,982, G>C on the plus strand (C>G on the coding strand, the complement: KMT2D is on the minus strand). VCF-style: chr12-49026982-G-C. GRCh37 (hg19) VCF-style: chr12-49420765-G-C.
Other names: short protein forms T4995S.
Identifiers: ClinVar variation 281653 (VCV000281653.12), dbSNP rs886042207, ClinGen allele CA10603937.
Genomic context (GRCh38, chr12:49,026,982, plus strand): 5'-TGCTCCATAAACTCTGCCACTTCCCGCTCATCCTCCTGCCGCCCACTGCCCTTCTGGATG[G>C]TCAGCAGCAGCCGAAGCCGCTTCCAGCGCACTCCTTTCCATTTCTTGAGGCGAGGAGGAC-3'
Protein context (NP_003473.3, residues 4985-5005): VRWKRLRLLL[Thr4995Ser]IQKGSGRQED

ClinVar aggregate classification (germline): Uncertain significance. Review status: criteria provided, multiple submitters, no conflicts (2 of 4 stars). 3 submissions from 3 submitters: Uncertain significance (3). Last evaluated 2025-06-11.

Conditions:
Kabuki syndrome 1 (KABUK1). Also called: KMT2D-Related Kabuki Syndrome. Identifiers: Orphanet 2322, MedGen CN030661, MONDO:0007843, OMIM 147920.
Kabuki syndrome. Also called: Kabuki make-up syndrome; NIIKAWA-KUROKI SYNDROME. Identifiers: Orphanet 2322, MedGen C0796004, MONDO:0016512.

Allele frequency attached by ClinVar (database versions not stated): gnomAD exomes below 0.00001; gnomAD 0.00001.
gnomAD v4.1: 4 of 1,613,914 alleles (0.00025%); highest among the groups gnomAD compares: Admixed American, 0.005%; no homozygotes.

Submissions (3):

Labcorp Genetics (formerly Invitae), Labcorp
Classification: Uncertain significance for Kabuki syndrome. Last evaluated: 2025-06-11. Review status: criteria provided, single submitter. Criteria: Invitae Variant Classification Sherloc (09022015). Collection method: clinical testing. Allele origin: germline.
Comment: This sequence change replaces threonine, which is neutral and polar, with serine, which is neutral and polar, at codon 4995 of the KMT2D protein (p.Thr4995Ser). This variant is not present in population databases (gnomAD no frequency). This variant has not been reported in the literature in individuals affected with KMT2D-related conditions. ClinVar contains an entry for this variant (Variation ID: 281653). Invitae Evidence Modeling of protein sequence and biophysical properties (such as structural, functional, and spatial information, amino acid conservation, physicochemical variation, residue mobility, and thermodynamic stability) indicates that this missense variant is not expected to disrupt KMT2D protein function with a negative predictive value of 95%. In summary, the available evidence is currently insufficient to determine the role of this variant in disease. Therefore, it has been classified as a Variant of Uncertain Significance.

Fulgent Genetics
Classification: Uncertain significance for Kabuki syndrome 1. Last evaluated: 2018-10-31. Review status: criteria provided, single submitter. Criteria: ACMG Guidelines, 2015. Collection method: clinical testing. Allele origin: unknown.

Eurofins Ntd Llc (ga)
Classification: Uncertain significance. Last evaluated: 2015-07-06. Review status: criteria provided, single submitter. Criteria: EGL Classification Definitions 2015. Collection method: clinical testing. Allele origin: germline. Observed: 2 variant alleles, 2 heterozygotes.